The following is an entry in ClinVar:

ClinVar aggregate classification (germline): Uncertain significance (1 of 4 stars; one submission).

gnomAD v4.1: 305 of 1,611,764 alleles (0.019%); highest among the groups gnomAD compares: Non-Finnish European, 0.023%; no homozygotes.

Submission:

GeneDx
Classification: Uncertain significance. Last evaluated: 2024-02-17. Review status: criteria provided, single submitter. Criteria: GeneDx Variant Classification Process June 2021. Collection method: clinical testing. Allele origin: germline. Affected: yes.
Comment: In silico analysis supports that this missense variant does not alter protein structure/function; Has not been previously published as pathogenic or benign to our knowledge

NM_004667.6(HERC2):c.10712C>T (p.Ala3571Val)

Gene: HERC2 (HECT and RLD domain containing E3 ubiquitin protein ligase 2; minus strand). Cytogenetic location: 15q13.1.
Variant type: single nucleotide variant.
Coding change: c.10712C>T on transcript NM_004667.6 (MANE Select); coding-DNA position 10712, C replaced by T.
Protein change: p.Ala3571Val; replaces alanine 3571 with valine.
Molecular consequence: missense variant.
Genome position (GRCh38, 1-based): chr15:28,163,128, G>A on the plus strand (C>T on the coding strand, the complement: HERC2 is on the minus strand). VCF-style: chr15-28163128-G-A. GRCh37 (hg19) VCF-style: chr15-28408274-G-A.
Other names: short protein forms A3571V.
Identifiers: ClinVar variation 3369079 (VCV003369079.1).